The following is an entry in ClinVar:

ClinVar aggregate classification (germline): Likely pathogenic (1 of 4 stars; one submission).

Conditions:
Familial cancer of breast. Also called: hereditary breast carcinoma; BREAST CANCER, FAMILIAL; Hereditary breast cancer. Identifiers: Orphanet 227535, MedGen C0346153, MONDO:0016419, OMIM 114480. Disease mechanism: loss of function.

Submission:

Labcorp Genetics (formerly Invitae), Labcorp
Classification: Likely pathogenic for Familial cancer of breast. Last evaluated: 2021-11-20. Review status: criteria provided, single submitter. Criteria: Invitae Variant Classification Sherloc (09022015). Collection method: clinical testing. Allele origin: germline.
Comment: Algorithms developed to predict the effect of sequence changes on RNA splicing suggest that this variant may disrupt the consensus splice site. In summary, the currently available evidence indicates that the variant is pathogenic, but additional data are needed to prove that conclusively. Therefore, this variant has been classified as Likely Pathogenic. ClinVar contains an entry for this variant (Variation ID: 835687). This variant has not been reported in the literature in individuals affected with PALB2-related conditions. This variant is not present in population databases (gnomAD no frequency). This sequence change affects a donor splice site in intron 3 of the PALB2 gene. It is expected to disrupt RNA splicing. Variants that disrupt the donor or acceptor splice site typically lead to a loss of protein function (PMID: 16199547), and loss-of-function variants in PALB2 are known to be pathogenic (PMID: 17200668, 17200671, 17200672, 24136930, 25099575).

Literature cited by the submitters: PubMed 16199547; PubMed 17200668; PubMed 17200671; PubMed 17200672; PubMed 24136930; PubMed 25099575.

NM_024675.4(PALB2):c.211+2T>C

Gene: PALB2 (partner and localizer of BRCA2; minus strand). Cytogenetic location: 16p12.2.
Variant type: single nucleotide variant.
Coding change: c.211+2T>C on transcript NM_024675.4 (MANE Select); the canonical splice donor site of the intron after coding-DNA position 211, T replaced by C.
Molecular consequence: splice donor variant. On other transcripts: intron variant (3).
Genome position (GRCh38, 1-based): chr16:23,637,848, A>G on the plus strand (T>C on the coding strand, the complement: PALB2 is on the minus strand). VCF-style: chr16-23637848-A-G. GRCh37 (hg19) VCF-style: chr16-23649169-A-G.
Other names: c.-675+2T>C (NM_001407308.1, NM_001407306.1, NM_001407307.1 and 5 more transcripts); c.48+3262T>C (NM_001407314.1); c.-105+3262T>C (NM_001407313.1, NM_001407312.1); c.151+2T>C (NM_001407296.1); c.211+2T>C (NM_001407297.1, NM_001407302.1, NM_001407298.1 and 3 more transcripts).
Identifiers: ClinVar variation 835687 (VCV000835687.9), dbSNP rs1967098495, ClinGen allele CA395139002.